The following is an entry in ClinVar:

ClinVar aggregate classification (germline): Uncertain significance (1 of 4 stars; one submission).

Conditions:
Epilepsy, familial focal, with variable foci 2 (FFEVF2). Identifiers: MedGen C4310709, MONDO:0014924, OMIM 617116.

Allele frequency attached by ClinVar (database versions not stated): TOPMed 0.00001.

Submission:

Illumina Laboratory Services, Illumina
Classification: Uncertain significance for Epilepsy, familial focal, with variable foci 2. Last evaluated: 2020-12-07. Review status: criteria provided, single submitter. Criteria: ICSLVariantClassificationCriteria RUGD 01 April 2020. Collection method: clinical testing. Allele origin: unknown.
Comment: The NPRL2 c.472A>G (p.Lys158Glu) variant is a missense variant. A literature search was performed for the gene, cDNA change, and amino acid change. No publications were found based on this search. This variant is not found in the Genome Aggregation Database (v2.1.1) in a region of good sequence coverage, so the variant is presumed to be rare. Based on the limited evidence, the p.Lys158Glu variant is classified as a variant of uncertain significance for autosomal dominant familial focal epilepsy with variable foci.

NM_006545.5(NPRL2):c.472A>G (p.Lys158Glu)

Gene: NPRL2 (NPR2 like, GATOR1 complex subunit; minus strand). Cytogenetic location: 3p21.31.
Variant type: single nucleotide variant.
Coding change: c.472A>G on transcript NM_006545.5 (MANE Select); coding-DNA position 472, A replaced by G.
Protein change: p.Lys158Glu; replaces lysine 158 with glutamic acid.
Molecular consequence: missense variant.
Genome position (GRCh38, 1-based): chr3:50,348,987, T>C on the plus strand (A>G on the coding strand, the complement: NPRL2 is on the minus strand). VCF-style: chr3-50348987-T-C. GRCh37 (hg19) VCF-style: chr3-50386418-T-C.
Other names: short protein forms K158E.
Identifiers: ClinVar variation 1199190 (VCV001199190.4), dbSNP rs1703653579, ClinGen allele CA352950696.